The following is an entry in ClinVar:

ClinVar aggregate classification (germline): Uncertain significance (1 of 4 stars; one submission).

gnomAD v4.1: 5 of 1,614,040 alleles (0.00031%); highest among the groups gnomAD compares: East Asian, 0.0045%; no homozygotes.

Submission:

CeGaT Center for Human Genetics Tuebingen
Classification: Uncertain significance. Last evaluated: 2025-07-01. Review status: criteria provided, single submitter. Criteria: CeGaT Center For Human Genetics Tuebingen Variant Classification Criteria Version 2. Collection method: clinical testing. Allele origin: germline. Affected: yes. Observed: 1 variant allele.
Comment: KANK1: PM2

NM_015158.5(KANK1):c.412C>T (p.Arg138Ter)

Gene: KANK1 (KN motif and ankyrin repeat domains 1; plus strand). Cytogenetic location: 9p24.3.
Variant type: single nucleotide variant.
Coding change: c.412C>T on transcript NM_015158.5 (MANE Select); coding-DNA position 412, C replaced by T.
Protein change: p.Arg138Ter; replaces arginine 138 with a stop codon.
Molecular consequence: nonsense. On other transcripts: 5 prime UTR variant (13), non-coding transcript variant (1).
Genome position (GRCh38, 1-based): chr9:711,178, C>T. VCF-style: chr9-711178-C-T. GRCh37 (hg19) VCF-style: chr9-711178-C-T.
Other names: c.412C>T, p.Arg138Ter (NM_001256876.3, NM_001256877.3, NM_001354331.2 and 3 more transcripts); c.-63C>T (NM_001354333.2, NM_001354335.2, NM_001354336.2 and 10 more transcripts); short protein forms R138*.
Identifiers: ClinVar variation 4083685 (VCV004083685.8).